The following is an entry in ClinVar:

NM_001110556.2(FLNA):c.3805+15C>T

Gene: FLNA (filamin A; minus strand). Cytogenetic location: Xq28.
Variant type: single nucleotide variant.
Coding change: c.3805+15C>T on transcript NM_001110556.2 (MANE Select); 15 bases into the intron after coding-DNA position 3805, C replaced by T.
Molecular consequence: intron variant.
Genome position (GRCh38, 1-based): chrX:154,359,975, G>A on the plus strand (C>T on the coding strand, the complement: FLNA is on the minus strand). VCF-style: chrX-154359975-G-A. GRCh37 (hg19) VCF-style: chrX-153588343-G-A.
Other names: c.3805+15C>T (NM_001456.4).
Identifiers: ClinVar variation 137385 (VCV000137385.24), dbSNP rs144968452, ClinGen allele CA290942.

ClinVar aggregate classification (germline): Benign. Review status: criteria provided, multiple submitters, no conflicts (2 of 4 stars). 5 submissions from 5 submitters: Benign (5). Last evaluated 2026-02-04.

Conditions:
Heterotopia, periventricular, X-linked dominant (PVNH1). Also called: PERIVENTRICULAR NODULAR HETEROTOPIA 4; HETEROTOPIA, PERIVENTRICULAR, 1; PERIVENTRICULAR NODULAR HETEROTOPIA 1; X-linked periventricular heterotopia. Identifiers: Orphanet 2149, Orphanet 82004, MedGen C1848213, MONDO:0010233, OMIM 300049.
Melnick-Needles syndrome (MNS). Also called: MELNICK-NEEDLES OSTEODYSPLASTY; OSTEODYSPLASTY OF MELNICK AND NEEDLES; Melnick-Needles Syndrome (FLNA-MNS). Identifiers: Orphanet 2484, MedGen C0025237, MONDO:0010650, OMIM 309350.
Frontometaphyseal dysplasia (FMD1). Identifiers: Orphanet 1826, MedGen C0265293, MONDO:0015942.
Oto-palato-digital syndrome, type II (OPD2). Also called: Otopalatodigital Syndrome, Type II; OPD II SYNDROME; FACIOPALATOOSSEOUS SYNDROME; Otopalatodigital Syndrome Type 2 (FLNA-OPD2). Identifiers: Orphanet 669, Orphanet 90652, MedGen C1844696, MONDO:0010571, OMIM 304120.

Allele frequency attached by ClinVar (database versions not stated): ESP Exome Variant Server 0.02545; 1000 Genomes Project 0.02649; 1000 Genomes Project 30x 0.02893; TOPMed 0.02469.
gnomAD v4.1: 5,294 of 1,204,116 alleles (0.44%); highest among the groups gnomAD compares: African/African-American, 7.9%; 149 homozygotes.

Submissions (5):

Labcorp Genetics (formerly Invitae), Labcorp
Classification: Benign for Oto-palato-digital syndrome, type II; Heterotopia, periventricular, X-linked dominant; Frontometaphyseal dysplasia; Melnick-Needles syndrome. Last evaluated: 2026-02-04. Review status: criteria provided, single submitter. Criteria: Invitae Variant Classification Sherloc (09022015). Collection method: clinical testing. Allele origin: germline.

ARUP Laboratories, Molecular Genetics and Genomics, ARUP Laboratories
Classification: Benign. Last evaluated: 2025-07-14. Review status: criteria provided, single submitter. Criteria: ARUP Molecular Germline Variant Investigation Process 2024. Collection method: clinical testing. Allele origin: germline.

Women's Health and Genetics/Laboratory Corporation of America, LabCorp
Classification: Benign. Last evaluated: 2023-07-21. Review status: criteria provided, single submitter. Criteria: LabCorp Variant Classification Summary - May 2015. Collection method: clinical testing. Allele origin: germline.

GeneDx
Classification: Benign. Last evaluated: 2014-05-17. Review status: criteria provided, single submitter. Criteria: GeneDx Variant Classification (06012015). Collection method: clinical testing. Allele origin: germline. Affected: yes.
Comment: This variant is considered likely benign or benign based on one or more of the following criteria: it is a conservative change, it occurs at a poorly conserved position in the protein, it is predicted to be benign by multiple in silico algorithms, and/or has population frequency not consistent with disease.

Breakthrough Genomics
Classification: Benign. Review status: criteria provided, single submitter. Criteria: ACMG Guidelines, 2015. Collection method: not provided. Allele origin: germline. Inheritance: X-linked inheritance. Affected: yes.